The following is an entry in ClinVar:

ClinVar aggregate classification (germline): Uncertain significance (1 of 4 stars; one submission).

Allele frequency attached by ClinVar (database versions not stated): ExAC 0.00003; gnomAD 0.00003; gnomAD exomes 0.00004; TOPMed 0.00004.
gnomAD v4.1: 67 of 1,587,370 alleles (0.0042%); highest among the groups gnomAD compares: Admixed American, 0.0057%; no homozygotes.

Submission:

Labcorp Genetics (formerly Invitae), Labcorp
Classification: Uncertain significance. Last evaluated: 2022-03-26. Review status: criteria provided, single submitter. Criteria: Invitae Variant Classification Sherloc (09022015). Collection method: clinical testing. Allele origin: germline.
Comment: This sequence change replaces lysine, which is basic and polar, with isoleucine, which is neutral and non-polar, at codon 244 of the C7 protein (p.Lys244Ile). This variant is present in population databases (rs199558578, gnomAD 0.006%). This variant has not been reported in the literature in individuals affected with C7-related conditions. Algorithms developed to predict the effect of missense changes on protein structure and function are either unavailable or do not agree on the potential impact of this missense change (SIFT: "Tolerated"; PolyPhen-2: "Possibly Damaging"; Align-GVGD: "Class C0"). In summary, the available evidence is currently insufficient to determine the role of this variant in disease. Therefore, it has been classified as a Variant of Uncertain Significance.

NM_000587.4(C7):c.731A>T (p.Lys244Ile)

Gene: C7 (complement C7; plus strand). Cytogenetic location: 5p13.1.
Variant type: single nucleotide variant.
Coding change: c.731A>T on transcript NM_000587.4 (MANE Select); coding-DNA position 731, A replaced by T.
Protein change: p.Lys244Ile; replaces lysine 244 with isoleucine.
Molecular consequence: missense variant.
Genome position (GRCh38, 1-based): chr5:40,945,361, A>T. VCF-style: chr5-40945361-A-T. GRCh37 (hg19) VCF-style: chr5-40945463-A-T.
Other names: short protein forms K244I.
Identifiers: ClinVar variation 2174319 (VCV002174319.1), dbSNP rs199558578, ClinGen allele CA3249737.